The following is an entry in ClinVar:

ClinVar aggregate classification (germline): Benign. Review status: criteria provided, multiple submitters, no conflicts (2 of 4 stars). 6 submissions from 6 submitters: Benign (5). 1 of the submissions does not count toward it. Last evaluated 2026-02-04.

Conditions:
Tay-Sachs disease, variant AB. Also called: Gm2-gangliosidosis, ab variant; GM2 Activator Deficiency. Identifiers: Orphanet 309246, MedGen C0268275, MONDO:0010099, OMIM 272750.

Allele frequency attached by ClinVar (database versions not stated): ESP Exome Variant Server 0.22913; gnomAD 0.23979 and 0.24623; TOPMed 0.25523; 1000 Genomes Project 30x 0.26077; 1000 Genomes Project 0.26558; gnomAD exomes 0.27675 and 0.30256; ExAC 0.29127.

Submissions (6):

Labcorp Genetics (formerly Invitae), Labcorp
Classification: Benign for Tay-Sachs disease, variant AB. Last evaluated: 2026-02-04. Review status: criteria provided, single submitter. Criteria: Invitae Variant Classification Sherloc (09022015). Collection method: clinical testing. Allele origin: germline.

Genome-Nilou Lab
Classification: Benign for Tay-Sachs disease, variant AB. Last evaluated: 2021-08-10. Review status: criteria provided, single submitter. Criteria: ACMG Guidelines, 2015. Collection method: clinical testing. Allele origin: germline. Affected: no.

Illumina Laboratory Services, Illumina
Classification: Benign for Tay-Sachs disease, variant AB. Last evaluated: 2018-01-13. Review status: criteria provided, single submitter. Criteria: ICSL Variant Classification Criteria 13 December 2019. Collection method: clinical testing. Allele origin: germline.
Comment: This variant was observed in the ICSL laboratory as part of a predisposition screen in an ostensibly healthy population. It had not been previously curated by ICSL or reported in the Human Gene Mutation Database (HGMD: prior to June 1st, 2018), and was therefore a candidate for classification through an automated scoring system. Utilizing variant allele frequency, disease prevalence and penetrance estimates, and inheritance mode, an automated score was calculated to assess if this variant is too frequent to cause the disease. Based on the score and internal cut-off values, a variant classified as benign is not then subjected to further curation. The score for this variant resulted in a classification of benign for this disease.

Eurofins Ntd Llc (ga)
Classification: Benign. Last evaluated: 2014-02-04. Review status: criteria provided, single submitter. Criteria: EGL Classification Definitions 2015. Collection method: clinical testing. Allele origin: germline. Observed: 1 variant allele, 1 heterozygote.

PreventionGenetics, part of Exact Sciences
Classification: Benign. Review status: criteria provided, single submitter. Criteria: ACMG Guidelines, 2015. Collection method: clinical testing. Allele origin: germline.

Mayo Clinic Laboratories, Mayo Clinic
Classification: Benign. Last evaluated: 2015-10-26. Review status: no assertion criteria provided. Collection method: clinical testing. Allele origin: unknown. Not counted in ClinVar's aggregate classification.

NM_000405.5(GM2A):c.582A>G (p.Ter194=)

Gene: GM2A (ganglioside GM2 activator; plus strand). Cytogenetic location: 5q33.1.
Variant type: single nucleotide variant.
Coding change: c.582A>G on transcript NM_000405.5 (MANE Select); coding-DNA position 582, A replaced by G.
Protein change: p.Ter194=.
Molecular consequence: synonymous variant. On other transcripts: intron variant (1).
Genome position (GRCh38, 1-based): chr5:151,267,451, A>G. VCF-style: chr5-151267451-A-G. GRCh37 (hg19) VCF-style: chr5-150647012-A-G.
Other names: c.413-41A>G (NM_001167607.3).
Identifiers: ClinVar variation 167152 (VCV000167152.21), dbSNP rs1048723, ClinGen allele CA180089.